The following is an entry in ClinVar:

ClinVar aggregate classification (germline): Pathogenic (1 of 4 stars; one submission).

Conditions:
RYR1-related disorder. Also called: RYR1-related condition; RYR1-related disorders. Identifiers: MedGen CN239331.

Submission:

Labcorp Genetics (formerly Invitae), Labcorp
Classification: Pathogenic for RYR1-related disorder. Last evaluated: 2023-12-10. Review status: criteria provided, single submitter. Criteria: Invitae Variant Classification Sherloc (09022015). Collection method: clinical testing. Allele origin: germline.
Comment: This sequence change creates a premature translational stop signal (p.Ala4345Profs*226) in the RYR1 gene. It is expected to result in an absent or disrupted protein product. Loss-of-function variants in RYR1 are known to be pathogenic (PMID: 23919265, 25960145, 28818389, 30611313). This variant is not present in population databases (gnomAD no frequency). This premature translational stop signal has been observed in individual(s) with centronuclear myopathy (PMID: 34463354). For these reasons, this variant has been classified as Pathogenic.

Literature cited by the submitters: PubMed 23919265; PubMed 25960145; PubMed 28818389; PubMed 30611313; PubMed 34463354.

NM_000540.3(RYR1):c.13033_13067del (p.Ala4345fs)

Gene: RYR1 (ryanodine receptor 1; plus strand). Cytogenetic location: 19q13.2.
Variant type: Deletion.
Coding change: c.13033_13067del on transcript NM_000540.3 (MANE Select); coding-DNA positions 13033 to 13067, 35 bases deleted.
Protein change: p.Ala4345fs; shifts the reading frame from alanine 4345.
Molecular consequence: frameshift variant.
Genome position (GRCh38, 1-based): chr19:38,565,367-38,565,401, 35 bases deleted; deleting any 35 consecutive bases within chr19:38,565,357-38,565,401 gives the same sequence; the c. name uses the placement nearest the transcript's 3' end. GRCh37 (hg19): chr19:39,056,007-39,056,041.
Other names: c.13018_13052del, p.Ala4340fs (NM_001042723.2); short protein forms A4345fs, A4340fs.
Identifiers: ClinVar variation 2717865 (VCV002717865.3), dbSNP rs1973356105, ClinGen allele CA995731663.